The following is an entry in ClinVar:

NM_052844.4(DYNC2I2):c.392C>T (p.Ala131Val)

Gene: DYNC2I2 (dynein 2 intermediate chain 2; minus strand). Cytogenetic location: 9q34.11.
Variant type: single nucleotide variant.
Coding change: c.392C>T on transcript NM_052844.4 (MANE Select); coding-DNA position 392, C replaced by T.
Protein change: p.Ala131Val; replaces alanine 131 with valine.
Molecular consequence: missense variant.
Genome position (GRCh38, 1-based): chr9:128,640,734, G>A on the plus strand (C>T on the coding strand, the complement: DYNC2I2 is on the minus strand). VCF-style: chr9-128640734-G-A. GRCh37 (hg19) VCF-style: chr9-131403013-G-A.
Other names: c.392C>T (NM_052844.3); short protein forms A131V.
Identifiers: ClinVar variation 425465 (VCV000425465.47), dbSNP rs766392626, ClinGen allele CA5266641.

ClinVar aggregate classification (germline): Uncertain significance. Review status: criteria provided, multiple submitters, no conflicts (2 of 4 stars). 4 submissions from 4 submitters: Uncertain significance (4). Last evaluated 2024-12-16.

Conditions:
Inborn genetic diseases. Identifiers: MedGen C0950123, MeSH D030342.
Short-rib thoracic dysplasia 11 with or without polydactyly (SRTD11). Also called: SHORT-RIB THORACIC DYSPLASIA 11 WITHOUT POLYDACTYLY. Identifiers: Orphanet 474, Orphanet 93271, MedGen C3810200, MONDO:0014287, OMIM 615633.

Allele frequency attached by ClinVar (database versions not stated): gnomAD exomes 0.00006 and 0.00013; TOPMed 0.00006; ExAC 0.00021; gnomAD 0.00009 and 0.00010.
gnomAD v4.1: 104 of 1,614,076 alleles (0.0064%); highest among the groups gnomAD compares: Admixed American, 0.053%; 1 homozygote.

Submissions (4):

Ambry Genetics
Classification: Uncertain significance for Inborn genetic diseases. Last evaluated: 2024-12-16. Review status: criteria provided, single submitter. Criteria: Ambry Variant Classification Scheme 2023. Collection method: clinical testing. Allele origin: germline.

GeneDx
Classification: Uncertain significance. Last evaluated: 2023-11-27. Review status: criteria provided, single submitter. Criteria: GeneDx Variant Classification Process June 2021. Collection method: clinical testing. Allele origin: germline. Affected: yes.
Comment: In silico analysis supports that this missense variant has a deleterious effect on protein structure/function; Has not been previously published as pathogenic or benign to our knowledge

Labcorp Genetics (formerly Invitae), Labcorp
Classification: Uncertain significance for Short-rib thoracic dysplasia 11 with or without polydactyly. Last evaluated: 2022-08-22. Review status: criteria provided, single submitter. Criteria: Invitae Variant Classification Sherloc (09022015). Collection method: clinical testing. Allele origin: germline.
Comment: This sequence change replaces alanine, which is neutral and non-polar, with valine, which is neutral and non-polar, at codon 131 of the WDR34 protein (p.Ala131Val). This variant is present in population databases (rs766392626, gnomAD 0.06%). This variant has not been reported in the literature in individuals affected with WDR34-related conditions. ClinVar contains an entry for this variant (Variation ID: 425465). Algorithms developed to predict the effect of missense changes on protein structure and function (SIFT, PolyPhen-2, Align-GVGD) all suggest that this variant is likely to be disruptive. In summary, the available evidence is currently insufficient to determine the role of this variant in disease. Therefore, it has been classified as a Variant of Uncertain Significance.

CeGaT Center for Human Genetics Tuebingen
Classification: Uncertain significance. Last evaluated: 2016-09-01. Review status: criteria provided, single submitter. Criteria: CeGaT Center For Human Genetics Tuebingen Variant Classification Criteria Version 2. Collection method: clinical testing. Allele origin: germline. Affected: yes. Observed: 1 variant allele.